The following is an entry in ClinVar:

ClinVar aggregate classification (germline): Uncertain significance (1 of 4 stars; one submission).

Conditions:
Inborn genetic diseases. Identifiers: MedGen C0950123, MeSH D030342.

gnomAD v4.1: 1 of 1,614,040 alleles (0.000062%); highest among the groups gnomAD compares: South Asian, 0.0011%; no homozygotes.

Submission:

Ambry Genetics
Classification: Uncertain significance for Inborn genetic diseases. Last evaluated: 2025-04-12. Review status: criteria provided, single submitter. Criteria: Ambry Variant Classification Scheme 2023. Collection method: clinical testing. Allele origin: germline.
Comment: The p.A299T variant (also known as c.895G>A), located in coding exon 6 of the MECOM gene, results from a G to A substitution at nucleotide position 895. The alanine at codon 299 is replaced by threonine, an amino acid with similar properties. This amino acid position is conserved. In addition, this alteration is predicted to be tolerated by in silico analysis. Based on the available evidence, the clinical significance of this variant remains unclear.

NM_004991.4(MECOM):c.895G>A (p.Ala299Thr)

Gene: MECOM (MDS1 and EVI1 complex locus; minus strand). Cytogenetic location: 3q26.2.
Variant type: single nucleotide variant.
Coding change: c.895G>A on transcript NM_004991.4 (MANE Select); coding-DNA position 895, G replaced by A.
Protein change: p.Ala299Thr; replaces alanine 299 with threonine.
Molecular consequence: missense variant.
Genome position (GRCh38, 1-based): chr3:169,122,663, C>T on the plus strand (G>A on the coding strand, the complement: MECOM is on the minus strand). VCF-style: chr3-169122663-C-T. GRCh37 (hg19) VCF-style: chr3-168840451-C-T.
Other names: c.523G>A, p.Ala175Thr (NM_001105077.4); c.331G>A, p.Ala111Thr (NM_001105078.4, NM_001163999.2, NM_001164000.2 and 9 more transcripts); c.895G>A, p.Ala299Thr (NM_001366466.2, NM_001366473.2); short protein forms A111T, A175T, A299T.
Identifiers: ClinVar variation 4053182 (VCV004053182.1).
Genomic context (GRCh38, chr3:169,122,663, plus strand): 5'-AGTGCTTTCCACTGTCATGTGACATCTGGTGGCGAATTAAATTGGACTTCCAGTTAAATG[C>T]CTTGGGACACTGATCACACTTGTATTCCCTCTCTTCAGTATGTGACAGCATGTGTTTCTC-3'
Protein context (NP_004982.2, residues 289-309): REYKCDQCPK[Ala299Thr]FNWKSNLIRH